The following is an entry in ClinVar:

ClinVar aggregate classification (germline): Pathogenic (1 of 4 stars; one submission).

Conditions:
Nephronophthisis. Also called: Juvenile Nephronophthisis. Identifiers: Orphanet 655, MedGen C0687120, MONDO:0019005, HP:0000090.

gnomAD v4.1: 1 of 1,614,068 alleles (0.000062%); highest among the groups gnomAD compares: South Asian, 0.0011%; no homozygotes.

Submission:

Labcorp Genetics (formerly Invitae), Labcorp
Classification: Pathogenic for Nephronophthisis. Last evaluated: 2024-03-14. Review status: criteria provided, single submitter. Criteria: Invitae Variant Classification Sherloc (09022015). Collection method: clinical testing. Allele origin: germline.
Comment: This sequence change creates a premature translational stop signal (p.Gln636*) in the INVS gene. It is expected to result in an absent or disrupted protein product. Loss-of-function variants in INVS are known to be pathogenic (PMID: 12872123). This variant is not present in population databases (gnomAD no frequency). This variant has not been reported in the literature in individuals affected with INVS-related conditions. For these reasons, this variant has been classified as Pathogenic.

Literature cited by the submitters: PubMed 12872123.

NM_014425.5(INVS):c.1906C>T (p.Gln636Ter)

Gene: INVS (inversin; plus strand). Cytogenetic location: 9q31.1.
Variant type: single nucleotide variant.
Coding change: c.1906C>T on transcript NM_014425.5 (MANE Select); coding-DNA position 1906, C replaced by T.
Protein change: p.Gln636Ter; replaces glutamine 636 with a stop codon.
Molecular consequence: nonsense. On other transcripts: non-coding transcript variant (1).
Genome position (GRCh38, 1-based): chr9:100,284,441, C>T. VCF-style: chr9-100284441-C-T. GRCh37 (hg19) VCF-style: chr9-103046723-C-T.
Other names: c.1618C>T, p.Gln540Ter (NM_001318381.2); c.928C>T, p.Gln310Ter (NM_001318382.2); short protein forms Q636*, Q540*, Q310*.
Identifiers: ClinVar variation 3645998 (VCV003645998.2).
Genomic context (GRCh38, chr9:100,284,441, plus strand): 5'-GATTCCTGCAGACCCCAGGCCCTTCCCTGTCTGCCTAGCACCCAGGATGTGCCCAGCAGG[C>T]AGAGCCGGGCCCCCAGCAAGCAGCCTCCTGCTGGCAACGTGGCCCAAGGCCCTGAGCCAA-3'